The following is an entry in ClinVar:

ClinVar aggregate classification (germline): Uncertain significance (1 of 4 stars; one submission).

Conditions:
Cardiovascular phenotype. Identifiers: MedGen CN230736.

gnomAD v4.1: 6 of 1,614,014 alleles (0.00037%); highest among the groups gnomAD compares: African/African-American, 0.0013%; no homozygotes.

Submission:

Ambry Genetics
Classification: Uncertain significance for Cardiovascular phenotype. Last evaluated: 2025-08-03. Review status: criteria provided, single submitter. Criteria: Ambry Variant Classification Scheme 2023. Collection method: clinical testing. Allele origin: germline.
Comment: The p.S178N variant (also known as c.533G>A), located in coding exon 5 of the ABCG5 gene, results from a G to A substitution at nucleotide position 533. The serine at codon 178 is replaced by asparagine, an amino acid with highly similar properties. This amino acid position is conserved. In addition, this alteration is predicted to be tolerated by in silico analysis. Based on the available evidence, the clinical significance of this variant remains unclear.

NM_022436.3(ABCG5):c.533G>A (p.Ser178Asn)

Genes: ABCG5 (ATP binding cassette subfamily G member 5; minus strand), DYNC2LI1 (dynein cytoplasmic 2 light intermediate chain 1; plus strand). Cytogenetic location: 2p21.
Variant type: single nucleotide variant.
Coding change: c.533G>A on transcript NM_022436.3 (MANE Select); coding-DNA position 533, G replaced by A.
Protein change: p.Ser178Asn; replaces serine 178 with asparagine.
Molecular consequence: missense variant. On other transcripts: 3 prime UTR variant (2).
Genome position (GRCh38, 1-based): chr2:43,828,084, C>T on the plus strand (G>A on the coding strand, the complement: ABCG5 is on the minus strand). VCF-style: chr2-43828084-C-T. GRCh37 (hg19) VCF-style: chr2-44055223-C-T.
Other names: c.*714C>T (NM_001348912.2, NM_001348913.2); short protein forms S178N.
Identifiers: ClinVar variation 4147016 (VCV004147016.1).